The following is an entry in ClinVar:

ClinVar aggregate classification (germline): Pathogenic (1 of 4 stars; one submission).

Conditions:
Neurofibromatosis, type 1 (NF1). Also called: NEUROFIBROMATOSIS, TYPE I, SOMATIC; VON RECKLINGHAUSEN DISEASE; Peripheral type neurofibromatosis; Neurofibromatosis, type I. Identifiers: Orphanet 636, MedGen C0027831, MONDO:0018975, OMIM 162200. Disease mechanism: loss of function.

Submission:

Labcorp Genetics (formerly Invitae), Labcorp
Classification: Pathogenic for Neurofibromatosis, type 1. Last evaluated: 2025-08-11. Review status: criteria provided, single submitter. Criteria: Invitae Variant Classification Sherloc (09022015). Collection method: clinical testing. Allele origin: germline.
Comment: This sequence change creates a premature translational stop signal (p.Phe1205Serfs*3) in the NF1 gene. It is expected to result in an absent or disrupted protein product. Loss-of-function variants in NF1 are known to be pathogenic (PMID: 10712197, 23913538). This variant is not present in population databases (gnomAD no frequency). This premature translational stop signal has been observed in individual(s) with neurofibromatosis (PMID: 25325900). For these reasons, this variant has been classified as Pathogenic.

Literature cited by the submitters: PubMed 10712197; PubMed 23913538; PubMed 25325900.

NM_001042492.3(NF1):c.3608_3611dup (p.Phe1205fs)

Gene: NF1 (neurofibromin 1; plus strand). Cytogenetic location: 17q11.2.
Variant type: Duplication.
Coding change: c.3608_3611dup on transcript NM_001042492.3 (MANE Select); coding-DNA positions 3608 to 3611, 4 bases duplicated (ATCG; older notation c.3608_3611dupATCG).
Protein change: p.Phe1205fs; shifts the reading frame from phenylalanine 1205.
Molecular consequence: frameshift variant.
Genome position (GRCh38, 1-based): chr17:31,233,113-31,233,116, ATCG duplicated; duplicating any 4 consecutive bases within chr17:31,233,112-31,233,116 gives the same sequence; the c. name uses the placement nearest the transcript's 3' end. VCF-style (leftmost placement, unchanged base first): chr17-31233111-T-TGATC. GRCh37 (hg19) VCF-style: chr17-29560129-T-TGATC.
Other names: c.3608_3611dup, p.Phe1205fs (NM_000267.4); short protein forms F1205fs.
Identifiers: ClinVar variation 4724294 (VCV004724294.1).